The following is an entry in ClinVar:

NM_001089.3(ABCA3):c.3294_3299dup (p.Ile1100_Ala1101insAspIle)

Gene: ABCA3 (ATP binding cassette subfamily A member 3; minus strand). Cytogenetic location: 16p13.3.
Variant type: Duplication.
Coding change: c.3294_3299dup on transcript NM_001089.3 (MANE Select); coding-DNA positions 3294 to 3299, 6 bases duplicated (CGACAT; older notation c.3294_3299dupCGACAT).
Protein change: p.Ile1100_Ala1101insAspIle.
Molecular consequence: inframe insertion.
Genome position (GRCh38, 1-based): chr16:2,285,626-2,285,631, ATGTCG duplicated on the plus strand (CGACAT on the coding strand, the reverse complement: ABCA3 is on the minus strand); duplicating any 6 consecutive bases within chr16:2,285,626-2,285,632 gives the same sequence; the c. name uses the placement nearest the transcript's 3' end. VCF-style (leftmost placement, unchanged base first): chr16-2285625-A-AATGTCG. GRCh37 (hg19) VCF-style: chr16-2335626-A-AATGTCG.
Identifiers: ClinVar variation 5004375 (VCV005004375.1).

ClinVar aggregate classification (germline): Uncertain significance (1 of 4 stars; one submission).

Conditions:
Interstitial lung disease due to ABCA3 deficiency. Also called: PULMONARY ALVEOLAR PROTEINOSIS, CONGENITAL, 3. Identifiers: Orphanet 440402, MedGen C1970456, MONDO:0012582, OMIM 610921.

Submission:

Myriad Genetics, Inc.
Classification: Uncertain significance for Interstitial lung disease due to ABCA3 deficiency. Last evaluated: 2026-01-09. Review status: criteria provided, single submitter. Criteria: Myriad Autosomal Dominant, Autosomal Recessive and X-Linked Classification Criteria (2023). Collection method: clinical testing. Allele origin: unknown.
Comment: NM_001089.2(ABCA3):c.3294_3299dup6(D1099_I1100dup) is an in-frame insertion classified as a variant of uncertain significance in the context of surfactant deficiency, ABCA3-related. D1099_I1100dup has not been observed in cases with relevant disease. Relevant functional assessments of this variant are not available in the literature. D1099_I1100dup has not been observed in referenced population frequency databases. In summary, there is insufficient evidence to classify NM_001089.2(ABCA3):c.3294_3299dup6(D1099_I1100dup) as pathogenic or benign. Please note: this variant was assessed in the context of healthy population screening.